The following is an entry in ClinVar:

NM_000284.4(PDHA1):c.1149G>A (p.Trp383Ter)

Gene: PDHA1 (pyruvate dehydrogenase E1 subunit alpha 1; plus strand). Cytogenetic location: Xp22.12.
Variant type: single nucleotide variant.
Coding change: c.1149G>A on transcript NM_000284.4 (MANE Select); coding-DNA position 1149, G replaced by A.
Protein change: p.Trp383Ter; replaces tryptophan 383 with a stop codon.
Molecular consequence: nonsense.
Genome position (GRCh38, 1-based): chrX:19,359,629, G>A. VCF-style: chrX-19359629-G-A. GRCh37 (hg19) VCF-style: chrX-19377747-G-A.
Other names: c.1263G>A, p.Trp421Ter (NM_001173454.2); c.1170G>A, p.Trp390Ter (NM_001173455.2); c.1056G>A, p.Trp352Ter (NM_001173456.2); short protein forms W352*, W383*, W390*, W421*.
Identifiers: ClinVar variation 2663792 (VCV002663792.2), dbSNP rs2518508016, ClinGen allele CA412397253.

ClinVar aggregate classification (germline): Pathogenic/Likely pathogenic. Review status: criteria provided, multiple submitters, no conflicts (2 of 4 stars). 2 submissions from 2 submitters: Pathogenic (1); Likely pathogenic (1). Last evaluated 2025-04-22.

Conditions:
Pyruvate dehydrogenase E1-alpha deficiency (PDHAD). Also called: ATAXIA, INTERMITTENT, WITH PYRUVATE DEHYDROGENASE DEFICIENCY; ATAXIA WITH LACTIC ACIDOSIS I; Ataxia, intermittent, with pyruvate dehydrogenase, or decarboxylase, deficiency; ATAXIA, INTERMITTENT, WITH ABNORMAL PYRUVATE METABOLISM. Identifiers: Orphanet 79243, MedGen C1839413, MONDO:0010717, OMIM 312170.

Submissions (2):

GeneDx
Classification: Pathogenic. Last evaluated: 2025-04-22. Review status: criteria provided, single submitter. Criteria: GeneDx Variant Classification Process June 2021. Collection method: clinical testing. Allele origin: germline. Affected: yes.
Comment: Nonsense variant predicted to result in protein truncation, as the last 8 amino acid(s) are lost, and other loss-of-function variants have been reported downstream in HGMD; Not observed at significant frequency in large population cohorts (gnomAD); This variant is associated with the following publications: (PMID: 38177409)

DECIPHERD-UDD, Universidad del Desarrollo
Classification: Likely pathogenic for Pyruvate dehydrogenase E1-alpha deficiency. Last evaluated: 2023-07-01. Review status: criteria provided, single submitter. Criteria: ACMG Guidelines, 2015. Collection method: research. Allele origin: de novo. Affected: yes.

Literature cited by the submitters: PubMed 38177409 (cited by DECIPHERD-UDD, Universidad del Desarrollo).